The following is an entry in ClinVar:

NM_000540.3(RYR1):c.10219G>A (p.Ala3407Thr)

Gene: RYR1 (ryanodine receptor 1; plus strand). Cytogenetic location: 19q13.2.
Variant type: single nucleotide variant.
Coding change: c.10219G>A on transcript NM_000540.3 (MANE Select); coding-DNA position 10219, G replaced by A.
Protein change: p.Ala3407Thr; replaces alanine 3407 with threonine.
Molecular consequence: missense variant.
Genome position (GRCh38, 1-based): chr19:38,519,414, G>A. VCF-style: chr19-38519414-G-A. GRCh37 (hg19) VCF-style: chr19-39010054-G-A.
Other names: c.10219G>A, p.Ala3407Thr (NM_001042723.2); short protein forms A3407T.
Identifiers: ClinVar variation 420587 (VCV000420587.56), dbSNP rs143533100, ClinGen allele CA052623.

ClinVar aggregate classification (germline): Uncertain significance. Review status: criteria provided, multiple submitters, no conflicts (2 of 4 stars). 8 submissions from 8 submitters: Uncertain significance (7). 1 of the submissions does not count toward it. Last evaluated 2025-10-02.

Conditions:
Malignant hyperthermia, susceptibility to, 1 (MHS1). Also called: Malignant hyperthermia suceptibility 1; RYR1-Related Malignant Hyperthermia Susceptibility; Anesthesia related hyperthermia; Malignant hyperpyrexia; Fulminating hyperpyrexia; Pharmacogenic myopathy. Identifiers: Orphanet 423, MedGen C2930980, MONDO:0007783, OMIM 145600.
King Denborough syndrome (KDS). Identifiers: MedGen C1840365, MONDO:0020485, OMIM 619542.
Central core myopathy (CMYO1A). Also called: CONGENITAL MYOPATHY 1A, AUTOSOMAL DOMINANT, WITH SUSCEPTIBILITY TO MALIGNANT HYPERTHERMIA; Central core disease; Myopathy, central fibrillar. Identifiers: Orphanet 597, MedGen C5830701, MONDO:0007294, OMIM 117000.
Congenital multicore myopathy with external ophthalmoplegia (CMYO1B). Also called: MULTIMINICORE DISEASE WITH EXTERNAL OPHTHALMOPLEGIA; Congenital myopathy 1B, autosomal recessive; Minicore myopathy; MULTICORE MYOPATHY; Minicore myopathy with external ophthalmoplegia. Identifiers: Orphanet 598, Orphanet 98905, MedGen C1850674, MONDO:0009712, OMIM 255320, HP:0003789.
Congenital myopathy with fiber type disproportion. Also called: Congenital fiber-type disproportion; Congenital fiber-type disproportion myopathy. Identifiers: Orphanet 2020, MedGen C0546264, MONDO:0009711. Inheritance: all.
RYR1-related disorder. Also called: RYR1-related disorders; RYR1-related condition. Identifiers: MedGen CN239331.

Allele frequency attached by ClinVar (database versions not stated): TOPMed 0.00002; gnomAD exomes 0.00003 and 0.00006; ExAC 0.00004; gnomAD 0.00006; ESP Exome Variant Server 0.00008; 1000 Genomes Project 30x 0.00016; 1000 Genomes Project 0.00020.

Submissions (8):

Labcorp Genetics (formerly Invitae), Labcorp
Classification: Uncertain significance for RYR1-related disorder. Last evaluated: 2025-10-02. Review status: criteria provided, single submitter. Criteria: Invitae Variant Classification Sherloc (09022015). Collection method: clinical testing. Allele origin: germline.
Comment: This sequence change replaces alanine, which is neutral and non-polar, with threonine, which is neutral and polar, at codon 3407 of the RYR1 protein (p.Ala3407Thr). This variant is present in population databases (rs143533100, gnomAD 0.007%). This missense change has been observed in individual(s) with exercise-induced rhabdomyolisis (PMID: 25960145). ClinVar contains an entry for this variant (Variation ID: 420587). Invitae Evidence Modeling of protein sequence and biophysical properties (such as structural, functional, and spatial information, amino acid conservation, physicochemical variation, residue mobility, and thermodynamic stability) indicates that this missense variant is not expected to disrupt RYR1 protein function with a negative predictive value of 80%. In summary, the available evidence is currently insufficient to determine the role of this variant in disease. Therefore, it has been classified as a Variant of Uncertain Significance.

All of Us Research Program, National Institutes of Health
Classification: Uncertain significance for Malignant hyperthermia, susceptibility to, 1. Last evaluated: 2024-05-14. Review status: criteria provided, single submitter. Criteria: ACMG Guidelines, 2015. Collection method: clinical testing. Allele origin: germline. Inheritance: Autosomal dominant inheritance. Observed: 12 variant alleles, 12 heterozygotes.
Comment: This missense variant replaces alanine with threonine at codon 3407 of the RYR1 protein. Computational prediction suggests that this variant may have deleterious impact on protein structure and function (internally defined REVEL score threshold >= 0.7, PMID: 27666373). To our knowledge, functional studies have not been reported for this variant. This variant has not been reported in individuals affected with autosomal dominant malignant hyperthermia in the literature, although it is associated with other phenotypes (PMID: 25960145, 30788618). This variant has been identified in 9/259766 chromosomes in the general population by the Genome Aggregation Database (gnomAD). The available evidence is insufficient to determine the role of this variant in disease conclusively. Therefore, this variant is classified as a Variant of Uncertain Significance.

This study involves interpretation of variants in research participants for the purpose of population health screening. Participant phenotype was not available at the time of variant classification. Additional details can be found in publication PMID: 35346344, PMCID: PMC8962531

GeneDx
Classification: Uncertain significance. Last evaluated: 2024-05-04. Review status: criteria provided, single submitter. Criteria: GeneDx Variant Classification Process June 2021. Collection method: clinical testing. Allele origin: germline. Affected: yes.
Comment: Not observed at significant frequency in large population cohorts (gnomAD); In silico analysis supports that this missense variant has a deleterious effect on protein structure/function; Reported with a second RYR1 variant on the opposite allele (in trans) in a patient with rhabdomyolysis in the published literature, but it is unknown whether this individual was tested for variants in other genes associated with rhabdomyolysis (PMID: 25960145); This variant is associated with the following publications: (PMID: 25960145, 32978841, 30788618)

Color Diagnostics, LLC DBA Color Health
Classification: Uncertain significance for Malignant hyperthermia, susceptibility to, 1. Last evaluated: 2024-03-28. Review status: criteria provided, single submitter. Criteria: ACMG Guidelines, 2015. Collection method: clinical testing. Allele origin: germline.
Comment: This missense variant replaces alanine with threonine at codon 3407 of the RYR1 protein. Computational prediction suggests that this variant may have deleterious impact on protein structure and function. To our knowledge, functional studies have not been reported for this variant. This variant has not been reported in individuals affected with autosomal dominant malignant hyperthermia in the literature, although it is associated with other phenotypes (PMID: 25960145, 30788618). This variant has been identified in 9/259766 chromosomes in the general population by the Genome Aggregation Database (gnomAD). The available evidence is insufficient to determine the role of this variant in disease conclusively. Therefore, this variant is classified as a Variant of Uncertain Significance.

Blueprint Genetics
Classification: Uncertain significance. Last evaluated: 2023-03-28. Review status: criteria provided, single submitter. Criteria: ACMG Guidelines, 2015. Collection method: clinical testing. Allele origin: germline.

Fulgent Genetics
Classification: Uncertain significance for Central core myopathy; Malignant hyperthermia, susceptibility to, 1; Congenital myopathy 4A, autosomal dominant; Congenital multicore myopathy with external ophthalmoplegia; King Denborough syndrome. Last evaluated: 2021-10-20. Review status: criteria provided, single submitter. Criteria: ACMG Guidelines, 2015. Collection method: clinical testing. Allele origin: unknown.

CeGaT Center for Human Genetics Tuebingen
Classification: Uncertain significance. Last evaluated: 2017-03-01. Review status: criteria provided, single submitter. Criteria: CeGaT Center For Human Genetics Tuebingen Variant Classification Criteria Version 2. Collection method: clinical testing. Allele origin: germline. Affected: yes. Observed: 1 variant allele.

PreventionGenetics, part of Exact Sciences
Classification: Uncertain significance for RYR1-related condition. Last evaluated: 2023-10-28. Review status: no assertion criteria provided. Collection method: clinical testing. Allele origin: germline. Not counted in ClinVar's aggregate classification.
Comment: The RYR1 c.10219G>A variant is predicted to result in the amino acid substitution p.Ala3407Thr. This variant has been reported in an individual with RYR1-related myopathies, along with another missense variant (patient 52 in Table 3, Snoeck et al. 2015. PubMed ID: 25960145). An alternate nucleotide change affecting the same amino acid (c.10219G>T; p.Ala3407Ser) has also been reported in individuals with rhabdomyolysis (Molenaar et al. 2014. PubMed ID: 25081049; patient 29 in Table 3, Snoeck et al. 2015. PubMed ID: 25960145). The c.10219G>A (p.Ala3407Thr) variant is reported in 0.0069% of alleles in individuals of European (Non-Finnish) descent in gnomAD. Although we suspect that this variant may be pathogenic, at this time, the clinical significance of this variant is uncertain due to the absence of conclusive functional and genetic evidence.

Literature cited by the submitters: PubMed 25960145 (cited by 3 submitters); PubMed 30788618 (cited by All of Us Research Program, National Institutes of Health and Color Diagnostics, LLC DBA Color Health).